The following is an entry in ClinVar:

ClinVar aggregate classification (germline): Pathogenic (1 of 4 stars; one submission).

Submission:

GeneDx
Classification: Pathogenic. Last evaluated: 2025-08-15. Review status: criteria provided, single submitter. Criteria: GeneDx Variant Classification Process June 2021. Collection method: clinical testing. Allele origin: germline. Affected: yes.
Comment: Nonsense variant predicted to result in protein truncation or nonsense mediated decay in a gene for which loss of function is a known mechanism of disease; Not observed at significant frequency in large population cohorts (gnomAD); This variant is associated with the following publications: (PMID: 37738884)

NM_001165963.4(SCN1A):c.1635T>A (p.Tyr545Ter)

Gene: SCN1A (sodium voltage-gated channel alpha subunit 1; minus strand). Cytogenetic location: 2q24.3.
Variant type: single nucleotide variant.
Coding change: c.1635T>A on transcript NM_001165963.4 (MANE Select); coding-DNA position 1635, T replaced by A.
Protein change: p.Tyr545Ter; replaces tyrosine 545 with a stop codon.
Molecular consequence: nonsense. On other transcripts: 5 prime UTR variant (1), non-coding transcript variant (1).
Genome position (GRCh38, 1-based): chr2:166,045,070, A>T on the plus strand (T>A on the coding strand, the complement: SCN1A is on the minus strand). VCF-style: chr2-166045070-A-T. GRCh37 (hg19) VCF-style: chr2-166901580-A-T.
Other names: c.1635T>A, p.Tyr545Ter (NM_001165964.3, NM_001202435.3, NM_001353948.2 and 7 more transcripts); c.1632T>A, p.Tyr544Ter (NM_001353954.2, NM_001353955.2, NM_001353960.2); c.-791T>A (NM_001353961.2); short protein forms Y544*, Y545*.
Identifiers: ClinVar variation 4795276 (VCV004795276.1).